The following is an entry in ClinVar:

ClinVar aggregate classification (germline): Uncertain significance (1 of 4 stars; one submission).

Conditions:
Charcot-Marie-Tooth disease dominant intermediate B (CMTDIB). Also called: CHARCOT-MARIE-TOOTH NEUROPATHY, DOMINANT INTERMEDIATE B; Charcot-Marie-Tooth disease dominant intermediate 1; CMT DI1; Charcot-Marie-Tooth disease dominant intermediate I. Identifiers: Orphanet 100044, Orphanet 228179, MedGen C1847902, MONDO:0011674, OMIM 606482.

Submission:

Labcorp Genetics (formerly Invitae), Labcorp
Classification: Uncertain significance for Charcot-Marie-Tooth disease dominant intermediate B. Last evaluated: 2024-06-16. Review status: criteria provided, single submitter. Criteria: Invitae Variant Classification Sherloc (09022015). Collection method: clinical testing. Allele origin: germline.
Comment: This sequence change replaces isoleucine, which is neutral and non-polar, with threonine, which is neutral and polar, at codon 531 of the DNM2 protein (p.Ile531Thr). This variant is not present in population databases (gnomAD no frequency). This variant has not been reported in the literature in individuals affected with DNM2-related conditions. Advanced modeling of protein sequence and biophysical properties (such as structural, functional, and spatial information, amino acid conservation, physicochemical variation, residue mobility, and thermodynamic stability) has been performed at Invitae for this missense variant, however the output from this modeling did not meet the statistical confidence thresholds required to predict the impact of this variant on DNM2 protein function. In summary, the available evidence is currently insufficient to determine the role of this variant in disease. Therefore, it has been classified as a Variant of Uncertain Significance.

NM_001005361.3(DNM2):c.1592T>C (p.Ile531Thr)

Gene: DNM2 (dynamin 2; plus strand). Cytogenetic location: 19p13.2.
Variant type: single nucleotide variant.
Coding change: c.1592T>C on transcript NM_001005361.3 (MANE Select); coding-DNA position 1592, T replaced by C.
Protein change: p.Ile531Thr; replaces isoleucine 531 with threonine.
Molecular consequence: missense variant.
Genome position (GRCh38, 1-based): chr19:10,812,298, T>C. VCF-style: chr19-10812298-T-C. GRCh37 (hg19) VCF-style: chr19-10922974-T-C.
Other names: c.1592T>C, p.Ile531Thr (NM_001005360.3, NM_001190716.2); c.1580T>C, p.Ile527Thr (NM_001005362.3, NM_004945.4); short protein forms I527T, I531T.
Identifiers: ClinVar variation 3656762 (VCV003656762.2).